The following is an entry in ClinVar:

ClinVar aggregate classification (germline): Likely benign (1 of 4 stars; one submission).

Allele frequency attached by ClinVar (database versions not stated): 1000 Genomes Project 30x 0.00062; 1000 Genomes Project 0.00080; TOPMed 0.00085; gnomAD 0.00184.
gnomAD v4.1: 279 of 152,208 alleles (0.18%); highest among the groups gnomAD compares: South Asian, 0.27%; 2 homozygotes.

Submission:

CeGaT Center for Human Genetics Tuebingen
Classification: Likely benign. Last evaluated: 2026-02-01. Review status: criteria provided, single submitter. Criteria: CeGaT Center For Human Genetics Tuebingen Variant Classification Criteria Version 2. Collection method: clinical testing. Allele origin: germline. Affected: yes. Observed: 11 variant alleles.
Comment: PMP22: BP4, BP7

NM_000304.4(PMP22):c.178+5559T>A

Gene: PMP22 (peripheral myelin protein 22; minus strand). Cytogenetic location: 17p12.
Variant type: single nucleotide variant.
Coding change: c.178+5559T>A on transcript NM_000304.4 (MANE Select); 5559 bases into the intron after coding-DNA position 178, T replaced by A.
Molecular consequence: intron variant.
Genome position (GRCh38, 1-based): chr17:15,253,535, A>T on the plus strand (T>A on the coding strand, the complement: PMP22 is on the minus strand). VCF-style: chr17-15253535-A-T. GRCh37 (hg19) VCF-style: chr17-15156852-A-T.
Other names: c.178+5559T>A (NM_001281456.2, NM_153321.3, NM_001281455.2 and 2 more transcripts).
Identifiers: ClinVar variation 2647498 (VCV002647498.24), dbSNP rs544739764, ClinGen allele CA288105615.